The following is an entry in ClinVar:

ClinVar aggregate classification (germline): Uncertain significance. Review status: criteria provided, multiple submitters, no conflicts (2 of 4 stars). 2 submissions from 2 submitters: Uncertain significance (2). Last evaluated 2024-11-26.

Conditions:
Hereditary breast ovarian cancer syndrome. Also called: Hereditary breast and ovarian cancer; Hereditary breast and ovarian cancer syndrome; Hereditary breast and/or ovarian cancer syndrome; Hereditary breast and ovarian cancer syndrome (HBOC); Breast and ovarian cancer; BRCA1- and BRCA2-Associated Hereditary Breast and Ovarian Cancer. Identifiers: Orphanet 145, MedGen C0677776, MeSH D061325, MONDO:0003582. Disease mechanism: loss of function.

Submissions (2):

Women's Health and Genetics/Laboratory Corporation of America, LabCorp
Classification: Uncertain significance. Last evaluated: 2024-11-26. Review status: criteria provided, single submitter. Criteria: LabCorp Variant Classification Summary - May 2015. Collection method: clinical testing. Allele origin: germline.
Comment: Variant summary: BRCA2 c.238_240delATA (p.Ile80del) results in an in-frame deletion that is predicted to remove one amino acid from the encoded protein. The variant was absent in 251368 control chromosomes (gnomAD). The available data on variant occurrences in the general population are insufficient to allow any conclusion about variant significance. To our knowledge, no occurrence of c.238_240delATA in individuals affected with Hereditary Breast And Ovarian Cancer Syndrome and no experimental evidence demonstrating its impact on protein function have been reported. ClinVar contains an entry for this variant (Variation ID: 1494453). Based on the evidence outlined above, the variant was classified as uncertain significance.

Labcorp Genetics (formerly Invitae), Labcorp
Classification: Uncertain significance for Hereditary breast ovarian cancer syndrome. Last evaluated: 2021-05-07. Review status: criteria provided, single submitter. Criteria: Invitae Variant Classification Sherloc (09022015). Collection method: clinical testing. Allele origin: germline.
Comment: In summary, the available evidence is currently insufficient to determine the role of this variant in disease. Therefore, it has been classified as a Variant of Uncertain Significance. Experimental studies and prediction algorithms are not available or were not evaluated, and the functional significance of this variant is currently unknown. This variant has not been reported in the literature in individuals with BRCA2-related conditions. This variant is not present in population databases (ExAC no frequency). This variant, c.238_240del, results in the deletion of 1 amino acid(s) of the BRCA2 protein (p.Ile80del), but otherwise preserves the integrity of the reading frame.

NM_000059.4(BRCA2):c.235ATA[1] (p.Ile80del)

Gene: BRCA2 (BRCA2 DNA repair associated; plus strand). Cytogenetic location: 13q13.1.
Variant type: Microsatellite.
Coding change: c.235ATA[1] on transcript NM_000059.4 (MANE Select); one copy of the 3-base unit ATA starting at c.235; the reference has two copies in a row; one copy, 3 bases deleted.
Protein change: p.Ile80del; deletes isoleucine 80.
Molecular consequence: inframe deletion.
Genome position (GRCh38, 1-based): chr13:32,319,247-32,319,249, ATA deleted; deleting any 3 consecutive bases within chr13:32,319,243-32,319,249 gives the same sequence; the position shown is the placement nearest the transcript's 3' end. VCF-style (leftmost placement, unchanged base first): chr13-32319242-CAAT-C. GRCh37 (hg19) VCF-style: chr13-32893379-CAAT-C.
Other names: c.238_240delATA (NM_000059.4); short protein forms I80del.
Identifiers: ClinVar variation 1494453 (VCV001494453.9), dbSNP rs2138705110, ClinGen allele CA2580614641.